The following is an entry in ClinVar:

ClinVar aggregate classification (germline): Benign (0 of 4 stars; one submission).

Conditions:
LRP1B-related disorder. Also called: LRP1B-related condition.

Allele frequency attached by ClinVar (database versions not stated): 1000 Genomes Project 0.00419; 1000 Genomes Project 30x 0.00468; ESP Exome Variant Server 0.00469.
gnomAD v4.1: 1,015 of 1,595,386 alleles (0.064%); highest among the groups gnomAD compares: African/African-American, 1.2%; 3 homozygotes.

Submission:

PreventionGenetics, part of Exact Sciences
Classification: Benign for LRP1B-related condition. Last evaluated: 2019-10-28. Review status: no assertion criteria provided. Collection method: clinical testing. Allele origin: germline.
Comment: This variant is classified as benign based on ACMG/AMP sequence variant interpretation guidelines (Richards et al. 2015 PMID: 25741868, with internal and published modifications).

NM_018557.3(LRP1B):c.1309G>A (p.Val437Ile)

Gene: LRP1B (LDL receptor related protein 1B; minus strand). Cytogenetic location: 2q22.1.
Variant type: single nucleotide variant.
Coding change: c.1309G>A on transcript NM_018557.3 (MANE Select); coding-DNA position 1309, G replaced by A.
Protein change: p.Val437Ile; replaces valine 437 with isoleucine.
Molecular consequence: missense variant.
Genome position (GRCh38, 1-based): chr2:141,058,982, C>T on the plus strand (G>A on the coding strand, the complement: LRP1B is on the minus strand). VCF-style: chr2-141058982-C-T. GRCh37 (hg19) VCF-style: chr2-141816551-C-T.
Other names: short protein forms V437I.
Identifiers: ClinVar variation 3039567 (VCV003039567.2), dbSNP rs145931578, ClinGen allele CA1896047.